The following is an entry in ClinVar:

NM_018706.7(DHTKD1):c.305C>T (p.Thr102Met)

Gene: DHTKD1 (dehydrogenase E1 and transketolase domain containing 1; plus strand). Cytogenetic location: 10p14.
Variant type: single nucleotide variant.
Coding change: c.305C>T on transcript NM_018706.7 (MANE Select); coding-DNA position 305, C replaced by T.
Protein change: p.Thr102Met; replaces threonine 102 with methionine.
Molecular consequence: missense variant.
Genome position (GRCh38, 1-based): chr10:12,081,622, C>T. VCF-style: chr10-12081622-C-T. GRCh37 (hg19) VCF-style: chr10-12123621-C-T.
Other names: short protein forms T102M.
Identifiers: ClinVar variation 520869 (VCV000520869.7), dbSNP rs769632958, ClinGen allele CA5407494.

ClinVar aggregate classification (germline): Uncertain significance. Review status: criteria provided, multiple submitters, no conflicts (2 of 4 stars). 2 submissions from 2 submitters: Uncertain significance (2). Last evaluated 2025-11-06.

Conditions:
2-aminoadipic 2-oxoadipic aciduria (AAKAD). Also called: Aminoadipic aciduria; ALPHA-AMINOADIPIC AND ALPHA-KETOADIPIC ACIDURIA. Identifiers: Orphanet 79154, MedGen C1859817, MONDO:0008774, OMIM 204750.
Inborn genetic diseases. Identifiers: MedGen C0950123, MeSH D030342.

Allele frequency attached by ClinVar (database versions not stated): gnomAD exomes 0.00001 and 0.00003; TOPMed 0.00001; ExAC 0.00002.
gnomAD v4.1: 16 of 1,614,094 alleles (0.00099%); highest among the groups gnomAD compares: East Asian, 0.0067%; no homozygotes.

Submissions (2):

Labcorp Genetics (formerly Invitae), Labcorp
Classification: Uncertain significance for 2-aminoadipic 2-oxoadipic aciduria. Last evaluated: 2025-11-06. Review status: criteria provided, single submitter. Criteria: Invitae Variant Classification Sherloc (09022015). Collection method: clinical testing. Allele origin: germline.
Comment: This sequence change replaces threonine, which is neutral and polar, with methionine, which is neutral and non-polar, at codon 102 of the DHTKD1 protein (p.Thr102Met). This variant is present in population databases (rs769632958, gnomAD 0.01%). This variant has not been reported in the literature in individuals affected with DHTKD1-related conditions. ClinVar contains an entry for this variant (Variation ID: 520869). Invitae Evidence Modeling of protein sequence and biophysical properties (such as structural, functional, and spatial information, amino acid conservation, physicochemical variation, residue mobility, and thermodynamic stability) indicates that this missense variant is not expected to disrupt DHTKD1 protein function with a negative predictive value of 80%. In summary, the available evidence is currently insufficient to determine the role of this variant in disease. Therefore, it has been classified as a Variant of Uncertain Significance.

Ambry Genetics
Classification: Uncertain significance for Inborn genetic diseases. Last evaluated: 2015-11-19. Review status: criteria provided, single submitter. Criteria: Ambry exome assertion method (8-5-2015). Collection method: clinical testing. Allele origin: germline. Affected: yes. Observed: 1 variant allele.